The following is an entry in ClinVar:

NM_005751.5(AKAP9):c.10118C>A (p.Ser3373Tyr)

Gene: AKAP9 (A-kinase anchoring protein 9; plus strand). Cytogenetic location: 7q21.2.
Variant type: single nucleotide variant.
Coding change: c.10118C>A on transcript NM_005751.5 (MANE Select); coding-DNA position 10118, C replaced by A.
Protein change: p.Ser3373Tyr; replaces serine 3373 with tyrosine.
Molecular consequence: missense variant.
Genome position (GRCh38, 1-based): chr7:92,097,077, C>A. VCF-style: chr7-92097077-C-A. GRCh37 (hg19) VCF-style: chr7-91726391-C-A.
Other names: c.4763C>A, p.Ser1588Tyr (NM_001379277.1); c.10094C>A, p.Ser3365Tyr (NM_147185.3); short protein forms S3373Y, S3365Y, S1588Y.
Identifiers: ClinVar variation 190510 (VCV000190510.61), dbSNP rs140470576, ClinGen allele CA235637.

ClinVar aggregate classification (germline): Conflicting classifications of pathogenicity. Review status: criteria provided, conflicting classifications (1 of 4 stars). 12 submissions from 12 submitters: Uncertain significance (1); Benign (1); Likely benign (6). 4 of the submissions do not count toward it. Last evaluated 2026-01-24.

Conditions:
Cardiovascular phenotype. Identifiers: MedGen CN230736.
Long QT syndrome (LQTS). Identifiers: MedGen C0023976, MeSH D008133, MONDO:0002442. Disease mechanism: loss of function. Inheritance: Various modes of inheritance.
Long QT syndrome 11 (LQT11). Identifiers: Orphanet 101016, Orphanet 768, MedGen C2678483, MONDO:0012738, OMIM 611820.

Allele frequency attached by ClinVar (database versions not stated): 1000 Genomes Project 0.00060; TOPMed 0.00060; gnomAD 0.00061 and 0.00074; 1000 Genomes Project 30x 0.00078; ESP Exome Variant Server 0.00161.
gnomAD v4.1: 2,311 of 1,614,180 alleles (0.14%); highest among the groups gnomAD compares: South Asian, 0.67%; 14 homozygotes.

Submissions (12):

Labcorp Genetics (formerly Invitae), Labcorp
Classification: Benign for Long QT syndrome. Last evaluated: 2026-01-24. Review status: criteria provided, single submitter. Criteria: Invitae Variant Classification Sherloc (09022015). Collection method: clinical testing. Allele origin: germline.

Dept of Medical Biology, Uskudar University
Classification: Uncertain significance for Long QT syndrome. Last evaluated: 2024-01-08. Review status: criteria provided, single submitter. Criteria: Dept of Medical Biology Variant Classification. Collection method: research. Allele origin: maternal. Affected: yes. Observed: 1 variant allele.
Comment: Criteria: BS1

ARUP Laboratories, Molecular Genetics and Genomics, ARUP Laboratories
Classification: Likely benign for Long QT syndrome 11. Last evaluated: 2023-10-14. Review status: criteria provided, single submitter. Criteria: ARUP Molecular Germline Variant Investigation Process 2024. Collection method: clinical testing. Allele origin: germline.

CeGaT Center for Human Genetics Tuebingen
Classification: Likely benign. Last evaluated: 2023-02-01. Review status: criteria provided, single submitter. Criteria: CeGaT Center For Human Genetics Tuebingen Variant Classification Criteria Version 2. Collection method: clinical testing. Allele origin: germline. Affected: yes. Observed: 1 variant allele.
Comment: AKAP9: BS2

Women's Health and Genetics/Laboratory Corporation of America, LabCorp
Classification: Likely benign. Last evaluated: 2022-11-06. Review status: criteria provided, single submitter. Criteria: LabCorp Variant Classification Summary - May 2015. Collection method: clinical testing. Allele origin: germline.

Ambry Genetics
Classification: Likely benign for Cardiovascular phenotype. Last evaluated: 2019-04-01. Review status: criteria provided, single submitter. Criteria: Ambry Variant Classification Scheme 2023. Collection method: clinical testing. Allele origin: germline.

Genome Diagnostics Laboratory, University Medical Center Utrecht
Classification: Likely benign for Long QT syndrome 11. Last evaluated: 2016-12-16. Review status: criteria provided, single submitter. Criteria: ACGS Guidelines, 2013. Collection method: clinical testing. Allele origin: germline. Affected: yes. Study: VKGL Data-share Consensus.

Biesecker Lab/Clinical Genomics Section, National Institutes of Health
Classification: Likely benign. Last evaluated: 2013-06-24. Review status: criteria provided, single submitter. Criteria: Ng et al. (Circ Cardiovasc Genet. 2013). Collection method: research. Allele origin: unknown. Observed: 3 variant alleles. Study: ClinSeq.
Comment: The study set was not selected for affection status in relation to any cancer. Pathogenicity categories were based on literature curation. See Pubmed ID:23861362 for details.

Medical sequencing

Clinical Genetics DNA and cytogenetics Diagnostics Lab, Erasmus MC, Erasmus Medical Center
Classification: Likely benign. Review status: no assertion criteria provided. Collection method: clinical testing. Allele origin: germline. Affected: yes. Study: VKGL Data-share Consensus. Not counted in ClinVar's aggregate classification.

Clinical Genetics, Academic Medical Center
Classification: Likely benign. Review status: no assertion criteria provided. Collection method: clinical testing. Allele origin: germline. Affected: yes. Study: VKGL Data-share Consensus. Not counted in ClinVar's aggregate classification.

Joint Genome Diagnostic Labs from Nijmegen and Maastricht, Radboudumc and MUMC+
Classification: Likely benign. Review status: no assertion criteria provided. Collection method: clinical testing. Allele origin: germline. Affected: yes. Study: VKGL Data-share Consensus. Not counted in ClinVar's aggregate classification.

Laboratory of Diagnostic Genome Analysis, Leiden University Medical Center (LUMC)
Classification: Likely benign. Review status: no assertion criteria provided. Collection method: clinical testing. Allele origin: germline. Affected: yes. Study: VKGL Data-share Consensus. Not counted in ClinVar's aggregate classification.